The following is an entry in ClinVar:

NM_203446.3(SYNJ1):c.3524G>C (p.Ser1175Thr)

Gene: SYNJ1 (synaptojanin 1; minus strand). Cytogenetic location: 21q22.11.
Variant type: single nucleotide variant.
Coding change: c.3524G>C on transcript NM_203446.3 (MANE Select); coding-DNA position 3524, G replaced by C.
Protein change: p.Ser1175Thr; replaces serine 1175 with threonine.
Molecular consequence: missense variant.
Genome position (GRCh38, 1-based): chr21:32,641,960, C>G on the plus strand (G>C on the coding strand, the complement: SYNJ1 is on the minus strand). VCF-style: chr21-32641960-C-G. GRCh37 (hg19) VCF-style: chr21-34014270-C-G.
Other names: c.3383G>C, p.Ser1128Thr (NM_001160306.2); c.3641G>C, p.Ser1214Thr (NM_003895.4); c.3476G>C, p.Ser1159Thr (NM_001160302.2); short protein forms S1214T, S1128T, S1159T, S1175T.
Identifiers: ClinVar variation 544547 (VCV000544547.8), dbSNP rs994115947, ClinGen allele CA319422118.

ClinVar aggregate classification (germline): Uncertain significance. Review status: criteria provided, multiple submitters, no conflicts (2 of 4 stars). 3 submissions from 3 submitters: Uncertain significance (3). Last evaluated 2025-06-24.

Conditions:
Developmental and epileptic encephalopathy, 53. Also called: Epileptic encephalopathy, early infantile, 53. Identifiers: MedGen C4479313, MONDO:0033362, OMIM 617389.
Early-onset Parkinson disease 20. Also called: PARKINSON DISEASE 20, AUTOSOMAL RECESSIVE EARLY-ONSET. Identifiers: Orphanet 391411, MedGen C3809824, MONDO:0014233, OMIM 615530.
Inborn genetic diseases. Identifiers: MedGen C0950123, MeSH D030342.

gnomAD v4.1: 1 of 1,613,934 alleles (0.000062%); no homozygotes.

Submissions (3):

Ambry Genetics
Classification: Uncertain significance for Inborn genetic diseases. Last evaluated: 2025-06-24. Review status: criteria provided, single submitter. Criteria: Ambry Variant Classification Scheme 2023. Collection method: clinical testing. Allele origin: germline.

Blueprint Genetics
Classification: Uncertain significance. Last evaluated: 2024-11-11. Review status: criteria provided, single submitter. Criteria: ACMG Guidelines, 2015. Collection method: clinical testing. Allele origin: germline.

Labcorp Genetics (formerly Invitae), Labcorp
Classification: Uncertain significance for Developmental and epileptic encephalopathy, 53; Early-onset Parkinson disease 20. Last evaluated: 2022-07-06. Review status: criteria provided, single submitter. Criteria: Invitae Variant Classification Sherloc (09022015). Collection method: clinical testing. Allele origin: germline.
Comment: This sequence change replaces serine, which is neutral and polar, with threonine, which is neutral and polar, at codon 1214 of the SYNJ1 protein (p.Ser1214Thr). This variant is not present in population databases (gnomAD no frequency). This variant has not been reported in the literature in individuals affected with SYNJ1-related conditions. ClinVar contains an entry for this variant (Variation ID: 544547). Algorithms developed to predict the effect of missense changes on protein structure and function (SIFT, PolyPhen-2, Align-GVGD) all suggest that this variant is likely to be tolerated. In summary, the available evidence is currently insufficient to determine the role of this variant in disease. Therefore, it has been classified as a Variant of Uncertain Significance.